The following is an entry in ClinVar:

NM_182914.3(SYNE2):c.4720A>G (p.Ile1574Val)

Gene: SYNE2 (spectrin repeat containing nuclear envelope protein 2; plus strand). Cytogenetic location: 14q23.2.
Variant type: single nucleotide variant.
Coding change: c.4720A>G on transcript NM_182914.3 (MANE Select); coding-DNA position 4720, A replaced by G.
Protein change: p.Ile1574Val; replaces isoleucine 1574 with valine.
Molecular consequence: missense variant.
Genome position (GRCh38, 1-based): chr14:64,010,108, A>G. VCF-style: chr14-64010108-A-G. GRCh37 (hg19) VCF-style: chr14-64476826-A-G.
Other names: c.4720A>G, p.Ile1574Val (NM_015180.6); short protein forms I1574V.
Identifiers: ClinVar variation 2761383 (VCV002761383.3), dbSNP rs1478025522, ClinGen allele CA389936450.

ClinVar aggregate classification (germline): Uncertain significance (1 of 4 stars; one submission).

Conditions:
Emery-Dreifuss muscular dystrophy 5, autosomal dominant (EDMD5). Also called: EMERY-DREIFUSS MUSCULAR DYSTROPHY 5. Identifiers: Orphanet 261, MedGen C2751805, MONDO:0013072, OMIM 612999.

Submission:

Labcorp Genetics (formerly Invitae), Labcorp
Classification: Uncertain significance for Emery-Dreifuss muscular dystrophy 5, autosomal dominant. Last evaluated: 2023-12-06. Review status: criteria provided, single submitter. Criteria: Invitae Variant Classification Sherloc (09022015). Collection method: clinical testing. Allele origin: germline.
Comment: This sequence change replaces isoleucine, which is neutral and non-polar, with valine, which is neutral and non-polar, at codon 1574 of the SYNE2 protein (p.Ile1574Val). This variant is not present in population databases (gnomAD no frequency). This variant has not been reported in the literature in individuals affected with SYNE2-related conditions. Algorithms developed to predict the effect of missense changes on protein structure and function output the following: SIFT: "Not Available"; PolyPhen-2: "Benign"; Align-GVGD: "Not Available". The valine amino acid residue is found in multiple mammalian species, which suggests that this missense change does not adversely affect protein function. In summary, the available evidence is currently insufficient to determine the role of this variant in disease. Therefore, it has been classified as a Variant of Uncertain Significance.